The following is an entry in ClinVar:

ClinVar aggregate classification (germline): Uncertain significance (1 of 4 stars; one submission).

Conditions:
Alstrom syndrome (ALMS). Identifiers: Orphanet 64, MedGen C0268425, MONDO:0008763, OMIM 203800.

Allele frequency attached by ClinVar (database versions not stated): TOPMed below 0.00001; gnomAD 0.00003.
gnomAD v4.1: 14 of 1,538,696 alleles (0.00091%); highest among the groups gnomAD compares: Non-Finnish European, 0.0011%; no homozygotes.

Submission:

Labcorp Genetics (formerly Invitae), Labcorp
Classification: Uncertain significance for Alstrom syndrome. Last evaluated: 2021-03-26. Review status: criteria provided, single submitter. Criteria: Invitae Variant Classification Sherloc (09022015). Collection method: clinical testing. Allele origin: germline.
Comment: This sequence change replaces glutamic acid with glutamine at codon 108 of the ALMS1 protein (p.Glu108Gln). The glutamic acid residue is weakly conserved and there is a small physicochemical difference between glutamic acid and glutamine. The frequency data for this variant in the population databases is considered unreliable, as metrics indicate insufficient coverage at this position in the ExAC database. This variant has not been reported in the literature in individuals with ALMS1-related conditions. Experimental studies and prediction algorithms are not available or were not evaluated, and the functional significance of this variant is currently unknown. In summary, the available evidence is currently insufficient to determine the role of this variant in disease. Therefore, it has been classified as a Variant of Uncertain Significance.

NM_001378454.1(ALMS1):c.319G>C (p.Glu107Gln)

Gene: ALMS1 (ALMS1 centrosome and basal body associated protein; plus strand). Cytogenetic location: 2p13.1.
Variant type: single nucleotide variant.
Coding change: c.319G>C on transcript NM_001378454.1 (MANE Select); coding-DNA position 319, G replaced by C.
Protein change: p.Glu107Gln; replaces glutamic acid 107 with glutamine.
Molecular consequence: missense variant.
Genome position (GRCh38, 1-based): chr2:73,386,187, G>C. VCF-style: chr2-73386187-G-C. GRCh37 (hg19) VCF-style: chr2-73613315-G-C.
Other names: c.322G>C, p.Glu108Gln (NM_015120.4); short protein forms E108Q, E107Q.
Identifiers: ClinVar variation 1917842 (VCV001917842.2), dbSNP rs1391090914, ClinGen allele CA347251063.